The following is an entry in ClinVar:

ClinVar aggregate classification (germline): Uncertain significance (1 of 4 stars; one submission).

Conditions:
Nemaline myopathy 7 (NEM7). Also called: Nemaline myopathy 7, autosomal recessive. Identifiers: Orphanet 171436, MedGen C1853154, MONDO:0012538, OMIM 610687.

Allele frequency attached by ClinVar (database versions not stated): TOPMed 0.00001.

Submission:

Labcorp Genetics (formerly Invitae), Labcorp
Classification: Uncertain significance for Nemaline myopathy 7. Last evaluated: 2022-07-19. Review status: criteria provided, single submitter. Criteria: Invitae Variant Classification Sherloc (09022015). Collection method: clinical testing. Allele origin: germline.
Comment: This variant is not present in population databases (gnomAD no frequency). This sequence change replaces aspartic acid, which is acidic and polar, with glycine, which is neutral and non-polar, at codon 59 of the CFL2 protein (p.Asp59Gly). This variant has not been reported in the literature in individuals affected with CFL2-related conditions. Algorithms developed to predict the effect of missense changes on protein structure and function (SIFT, PolyPhen-2, Align-GVGD) all suggest that this variant is likely to be disruptive. In summary, the available evidence is currently insufficient to determine the role of this variant in disease. Therefore, it has been classified as a Variant of Uncertain Significance.

NM_138638.5(CFL2):c.176A>G (p.Asp59Gly)

Gene: CFL2 (cofilin 2; minus strand). Cytogenetic location: 14q13.1.
Variant type: single nucleotide variant.
Coding change: c.176A>G on transcript NM_138638.5 (MANE Select); coding-DNA position 176, A replaced by G.
Protein change: p.Asp59Gly; replaces aspartic acid 59 with glycine.
Molecular consequence: missense variant.
Genome position (GRCh38, 1-based): chr14:34,713,389, T>C on the plus strand (A>G on the coding strand, the complement: CFL2 is on the minus strand). VCF-style: chr14-34713389-T-C. GRCh37 (hg19) VCF-style: chr14-35182595-T-C.
Other names: c.125A>G, p.Asp42Gly (NM_001243645.2); c.176A>G, p.Asp59Gly (NM_021914.8); short protein forms D42G, D59G.
Identifiers: ClinVar variation 1718608 (VCV001718608.5), dbSNP rs1390823385, ClinGen allele CA389421800.